The following is an entry in ClinVar:

NM_006767.4(LZTR1):c.11dup (p.Ser6fs)

Genes: LZTR1 (leucine zipper like post translational regulator 1; plus strand), LOC130067016 (ATAC-STARR-seq lymphoblastoid silent region 13504; plus strand). Cytogenetic location: 22q11.21.
Variant type: Duplication.
Coding change: c.11dup on transcript NM_006767.4 (MANE Select); coding-DNA position 11, one base duplicated (C; older notation c.11dupC).
Protein change: p.Ser6fs; shifts the reading frame from serine 6.
Molecular consequence: frameshift variant.
Genome position (GRCh38, 1-based): chr22:20,982,382, C duplicated; the last of 2 consecutive C bases (chr22:20,982,381-20,982,382); duplicating either gives the same sequence. VCF-style (leftmost placement, unchanged base first): chr22-20982380-A-AC. GRCh37 (hg19) VCF-style: chr22-21336669-A-AC.
Other names: c.11dupC (NM_006767.4); short protein forms S6fs.
Identifiers: ClinVar variation 918099 (VCV000918099.2), dbSNP rs1369717076, ClinGen allele CA751573415.

ClinVar aggregate classification (germline): Pathogenic (1 of 4 stars; one submission).

Conditions:
Schwannomatosis (SWNTS1). Identifiers: Orphanet 93921, MedGen C1335929, MeSH C536641, MONDO:0008075.

Submission:

Women's Health and Genetics/Laboratory Corporation of America, LabCorp
Classification: Pathogenic for Schwannomatosis. Last evaluated: 2024-08-26. Review status: criteria provided, single submitter. Criteria: LabCorp Variant Classification Summary - May 2015. Collection method: clinical testing. Allele origin: germline.
Comment: Variant summary: LZTR1 c.11dupC (p.Ser6GlnfsX28) results in a premature termination codon, predicted to cause a truncation of the encoded protein or absence of the protein due to nonsense mediated decay, which are commonly known mechanisms for disease. The frequency data for this variant in gnomAD is considered unreliable, as metrics indicate poor data quality at this position. To our knowledge, no occurrence of c.11dupC in individuals affected with LZTR1-related conditions and no experimental evidence demonstrating its impact on protein function have been reported. ClinVar contains an entry for this variant (Variation ID: 918099). Germline loss of function mutations in LZTR1 have been reported to predispose to an inherited disorder of multiple schwannomas (Piotrowski_2014) and recessive Noonan syndrome (Johnston_2018). Based on the evidence outlined above, the variant was classified as pathogenic for the risk of multiple schwannomas and recessive Noonan syndrome.